The following is an entry in ClinVar:

ClinVar aggregate classification (germline): Uncertain significance (1 of 4 stars; one submission).

Conditions:
Dilated cardiomyopathy 1KK (CMD1KK). Identifiers: Orphanet 154, Orphanet 75249, MedGen C3714995, MONDO:0014100, OMIM 615248.

Submission:

Labcorp Genetics (formerly Invitae), Labcorp
Classification: Uncertain significance for Dilated cardiomyopathy 1KK. Last evaluated: 2022-03-17. Review status: criteria provided, single submitter. Criteria: Invitae Variant Classification Sherloc (09022015). Collection method: clinical testing. Allele origin: germline.
Comment: This variant is a gross deletion of the genomic region encompassing exon(s) 6 of the MYPN gene. This variant would be expected to be in-frame, preserving the integrity of the reading frame. This variant has not been reported in the literature in individuals affected with MYPN-related conditions. In summary, the available evidence is currently insufficient to determine the role of this variant in disease. Therefore, it has been classified as a Variant of Uncertain Significance. Experimental studies and prediction algorithms are not available or were not evaluated, and the functional significance of this variant is currently unknown.

NC_000010.10:g.(?_69909777)_(69909888_?)del

Gene: MYPN (myopalladin; plus strand). Cytogenetic location: 10q21.3.
Variant type: Deletion.
Identifiers: ClinVar variation 2427045 (VCV002427045.4).